The following is an entry in ClinVar:

NM_002691.4(POLD1):c.590-14T>C

Gene: POLD1 (DNA polymerase delta 1, catalytic subunit; plus strand). Cytogenetic location: 19q13.33.
Variant type: single nucleotide variant.
Coding change: c.590-14T>C on transcript NM_002691.4 (MANE Select); 14 bases into the intron before coding-DNA position 590, T replaced by C.
Molecular consequence: intron variant.
Genome position (GRCh38, 1-based): chr19:50,402,191, T>C. VCF-style: chr19-50402191-T-C. GRCh37 (hg19) VCF-style: chr19-50905448-T-C.
Other names: c.590-14T>C (NM_001256849.1, NM_001308632.1, LRG_785t1 and 1 more transcripts).
Identifiers: ClinVar variation 386135 (VCV000386135.1), dbSNP rs1057522428, ClinGen allele CA16608328.
Genomic context (GRCh38, chr19:50,402,191, plus strand): 5'-GCTCCCCCAGGATCAGCGGGTTGGAGGGTCCCCTCGGGAGGCCATTGGCTGGTCCCAGCT[T>C]CTTCCATCCACAGGCATGTTTGGGTACCACGGGCACGGCCCCTCCCCGTTCCTGCGCATC-3'

ClinVar aggregate classification (germline): Likely benign (1 of 4 stars; one submission).

Submission:

GeneDx
Classification: Likely benign. Last evaluated: 2016-05-09. Review status: criteria provided, single submitter. Criteria: GeneDx Variant Classification (06012015). Collection method: clinical testing. Allele origin: germline. Affected: yes.
Comment: This variant is considered likely benign or benign based on one or more of the following criteria: it is a conservative change, it occurs at a poorly conserved position in the protein, it is predicted to be benign by multiple in silico algorithms, and/or has population frequency not consistent with disease.